The following is an entry in ClinVar:

ClinVar aggregate classification (germline): Uncertain significance. Review status: criteria provided, multiple submitters, no conflicts (2 of 4 stars). 2 submissions from 2 submitters: Uncertain significance (2). Last evaluated 2026-01-02.

Allele frequency attached by ClinVar (database versions not stated): gnomAD exomes 0.00002 and 0.00003; ExAC 0.00003; gnomAD 0.00005 and 0.00006; TOPMed 0.00007; ESP Exome Variant Server 0.00023.
gnomAD v4.1: 30 of 1,614,058 alleles (0.0019%); highest among the groups gnomAD compares: African/African-American, 0.004%; no homozygotes.

Submissions (2):

Labcorp Genetics (formerly Invitae), Labcorp
Classification: Uncertain significance. Last evaluated: 2026-01-02. Review status: criteria provided, single submitter. Criteria: Invitae Variant Classification Sherloc (09022015). Collection method: clinical testing. Allele origin: germline.
Comment: This sequence change replaces glutamine, which is neutral and polar, with histidine, which is basic and polar, at codon 552 of the BACH2 protein (p.Gln552His). This variant is present in population databases (rs139023655, gnomAD 0.007%). This variant has not been reported in the literature in individuals affected with BACH2-related conditions. ClinVar contains an entry for this variant (Variation ID: 1407363). Invitae Evidence Modeling of protein sequence and biophysical properties (such as structural, functional, and spatial information, amino acid conservation, physicochemical variation, residue mobility, and thermodynamic stability) indicates that this missense variant is not expected to disrupt BACH2 protein function with a negative predictive value of 80%. In summary, the available evidence is currently insufficient to determine the role of this variant in disease. Therefore, it has been classified as a Variant of Uncertain Significance.

Ambry Genetics
Classification: Uncertain significance. Last evaluated: 2025-10-22. Review status: criteria provided, single submitter. Criteria: Ambry Variant Classification Scheme 2023. Collection method: clinical testing. Allele origin: germline.

NM_021813.4(BACH2):c.1656G>T (p.Gln552His)

Gene: BACH2 (BACH transcriptional regulator 2; minus strand). Cytogenetic location: 6q15.
Variant type: single nucleotide variant.
Coding change: c.1656G>T on transcript NM_021813.4 (MANE Select); coding-DNA position 1656, G replaced by T.
Protein change: p.Gln552His; replaces glutamine 552 with histidine.
Molecular consequence: missense variant.
Genome position (GRCh38, 1-based): chr6:89,950,450, C>A on the plus strand (G>T on the coding strand, the complement: BACH2 is on the minus strand). VCF-style: chr6-89950450-C-A. GRCh37 (hg19) VCF-style: chr6-90660169-C-A.
Other names: c.1656G>T, p.Gln552His (NM_001170794.2); c.1656G>T (NM_021813.2); short protein forms Q552H.
Identifiers: ClinVar variation 1407363 (VCV001407363.8), dbSNP rs139023655, ClinGen allele CA3927943.
Genomic context (GRCh38, chr6:89,950,450, plus strand): 5'-GTACATTCCATCTCCCATCAGGCCTGGTTCCTGATGTTCTGTGGCAAGGAATCTGGCTCC[C>A]TGGGAACAGGGCGAGGAGGAGAACTCACAGAGAGGGAGGCTGCAGGGTGAGCCCCCGCTC-3'
Protein context (NP_068585.1, residues 542-562): LCEFSSSPCS[Gln552His]GARFLATEHQ